The following is an entry in ClinVar:

NM_012275.3(IL36RN):c.420_426del (p.Gly141fs)

Gene: IL36RN (interleukin 36 receptor antagonist; plus strand). Cytogenetic location: 2q14.1.
Variant type: Deletion.
Coding change: c.420_426del on transcript NM_012275.3 (MANE Select); coding-DNA positions 420 to 426, 7 bases deleted (TGGCTGG; older notation c.420_426delTGGCTGG).
Protein change: p.Gly141fs; shifts the reading frame from glycine 141.
Molecular consequence: frameshift variant.
Genome position (GRCh38, 1-based): chr2:113,062,629-113,062,635, TGGCTGG deleted; deleting any 7 consecutive bases within chr2:113,062,626-113,062,635 gives the same sequence; the c. name uses the placement nearest the transcript's 3' end. VCF-style (leftmost placement, unchanged base first): chr2-113062625-ATGGTGGC-A. GRCh37 (hg19) VCF-style: chr2-113820202-ATGGTGGC-A.
Other names: c.420_426del, p.Gly141fs (NM_173170.1); short protein forms G141fs.
Identifiers: ClinVar variation 2183544 (VCV002183544.4), dbSNP rs747464195, ClinGen allele CA1838462.

ClinVar aggregate classification (germline): Pathogenic (1 of 4 stars; one submission).

Conditions:
Generalized pustular psoriasis. Identifiers: Orphanet 247353, MedGen C0343055, MONDO:0100491.

Submission:

Labcorp Genetics (formerly Invitae), Labcorp
Classification: Pathogenic for Generalized pustular psoriasis. Last evaluated: 2022-08-22. Review status: criteria provided, single submitter. Criteria: Invitae Variant Classification Sherloc (09022015). Collection method: clinical testing. Allele origin: germline.
Comment: This frameshift has been observed in individual(s) with generalized pustular psoriasis (PMID: 25458002, 27220475). It has also been observed to segregate with disease in related individuals. This sequence change results in a frameshift in the IL36RN gene (p.Gly141Metfs*29). While this is not anticipated to result in nonsense mediated decay, it is expected to disrupt the last 15 amino acid(s) of the IL36RN protein and extend the protein by 13 additional amino acid residues. This variant is present in population databases (rs747464195, gnomAD 0.003%). Algorithms developed to predict the effect of variants on protein structure and function are not available or were not evaluated for this variant. Experimental studies have shown that this frameshift affects IL36RN function (PMID: 27220475). For these reasons, this variant has been classified as Pathogenic.

Literature cited by the submitters: PubMed 25458002; PubMed 27220475.